The following is an entry in ClinVar:

NM_005633.4(SOS1):c.558A>G (p.Leu186=)

Gene: SOS1 (SOS Ras/Rac guanine nucleotide exchange factor 1; minus strand). Cytogenetic location: 2p22.1.
Variant type: single nucleotide variant.
Coding change: c.558A>G on transcript NM_005633.4 (MANE Select); coding-DNA position 558, A replaced by G.
Protein change: p.Leu186=; no amino-acid change (leucine 186 retained).
Molecular consequence: synonymous variant.
Genome position (GRCh38, 1-based): chr2:39,054,776, T>C on the plus strand (A>G on the coding strand, the complement: SOS1 is on the minus strand). VCF-style: chr2-39054776-T-C. GRCh37 (hg19) VCF-style: chr2-39281917-T-C.
Other names: p.Leu186=; c.537A>G, p.Leu179= (NM_001382394.1); c.558A>G, p.Leu186= (NM_001382395.1).
Identifiers: ClinVar variation 1748466 (VCV001748466.8), dbSNP rs377649024, ClinGen allele CA46013334.

ClinVar aggregate classification (germline): Likely benign. Review status: criteria provided, multiple submitters, no conflicts (2 of 4 stars). 3 submissions from 3 submitters: Likely benign (3). Last evaluated 2025-10-18.

Conditions:
Cardiovascular phenotype. Identifiers: MedGen CN230736.
RASopathy. Also called: Noonan spectrum disorder; rasopathies. Identifiers: Orphanet 536391, MedGen C5555857, MONDO:0021060.

Allele frequency attached by ClinVar (database versions not stated): gnomAD 0.00001; TOPMed below 0.00001; gnomAD exomes below 0.00001.
gnomAD v4.1: 2 of 1,568,098 alleles (0.00013%); highest among the groups gnomAD compares: South Asian, 0.0011%; no homozygotes.

Submissions (3):

Mayo Clinic Laboratories, Mayo Clinic
Classification: Likely benign. Last evaluated: 2025-10-18. Review status: criteria provided, single submitter. Criteria: ACMG Guidelines, 2015. Collection method: clinical testing. Allele origin: germline. Observed: 1 variant allele.
Comment: BP4, BP7, PM2_supporting

Labcorp Genetics (formerly Invitae), Labcorp
Classification: Likely benign for RASopathy. Last evaluated: 2022-03-04. Review status: criteria provided, single submitter. Criteria: Invitae Variant Classification Sherloc (09022015). Collection method: clinical testing. Allele origin: germline.

Ambry Genetics
Classification: Likely benign for Cardiovascular phenotype. Last evaluated: 2019-10-10. Review status: criteria provided, single submitter. Criteria: Ambry Variant Classification Scheme 2023. Collection method: clinical testing. Allele origin: germline.